The following is an entry in ClinVar:

ClinVar aggregate classification (germline): Uncertain significance (1 of 4 stars; one submission).

Conditions:
Fanconi anemia complementation group J. Also called: BRIP1-Related Fanconi Anemia. Identifiers: Orphanet 84, MedGen C1836860, MONDO:0012187, OMIM 609054.
Familial cancer of breast. Also called: hereditary breast carcinoma; BREAST CANCER, FAMILIAL; Hereditary breast cancer. Identifiers: Orphanet 227535, MedGen C0346153, MONDO:0016419, OMIM 114480. Disease mechanism: loss of function.

Allele frequency attached by ClinVar (database versions not stated): gnomAD exomes below 0.00001.
gnomAD v4.1: 1 of 1,613,524 alleles (0.000062%); highest among the groups gnomAD compares: Non-Finnish European, 0.000085%; no homozygotes.

Submission:

Labcorp Genetics (formerly Invitae), Labcorp
Classification: Uncertain significance for Familial cancer of breast; Fanconi anemia complementation group J. Last evaluated: 2024-01-31. Review status: criteria provided, single submitter. Criteria: Invitae Variant Classification Sherloc (09022015). Collection method: clinical testing. Allele origin: germline.
Comment: This sequence change replaces arginine, which is basic and polar, with lysine, which is basic and polar, at codon 279 of the BRIP1 protein (p.Arg279Lys). This variant is not present in population databases (gnomAD no frequency). This variant has not been reported in the literature in individuals affected with BRIP1-related conditions. Advanced modeling of protein sequence and biophysical properties (such as structural, functional, and spatial information, amino acid conservation, physicochemical variation, residue mobility, and thermodynamic stability) has been performed at Invitae for this missense variant, however the output from this modeling did not meet the statistical confidence thresholds required to predict the impact of this variant on BRIP1 protein function. In summary, the available evidence is currently insufficient to determine the role of this variant in disease. Therefore, it has been classified as a Variant of Uncertain Significance.

NM_032043.3(BRIP1):c.836G>A (p.Arg279Lys)

Gene: BRIP1 (BRCA1 interacting DNA helicase 1; minus strand). Cytogenetic location: 17q23.2.
Variant type: single nucleotide variant.
Coding change: c.836G>A on transcript NM_032043.3 (MANE Select); coding-DNA position 836, G replaced by A.
Protein change: p.Arg279Lys; replaces arginine 279 with lysine.
Molecular consequence: missense variant.
Genome position (GRCh38, 1-based): chr17:61,808,549, C>T on the plus strand (G>A on the coding strand, the complement: BRIP1 is on the minus strand). VCF-style: chr17-61808549-C-T. GRCh37 (hg19) VCF-style: chr17-59885910-C-T.
Other names: short protein forms R279K.
Identifiers: ClinVar variation 2922769 (VCV002922769.3), dbSNP rs2145414377, ClinGen allele CA400484814.